The following is an entry in ClinVar:

NM_004531.5(MOCS2):c.109_112del (p.Asp37fs)

Gene: MOCS2 (molybdenum cofactor synthesis 2; minus strand). Cytogenetic location: 5q11.2.
Variant type: Deletion.
Coding change: c.109_112del on transcript NM_004531.5 (MANE Select); coding-DNA positions 109 to 112, 4 bases deleted (GATG; older notation c.109_112delGATG).
Protein change: p.Asp37fs; shifts the reading frame from aspartic acid 37.
Molecular consequence: frameshift variant. On other transcripts: 3 prime UTR variant (1).
Genome position (GRCh38, 1-based): chr5:53,102,211-53,102,214, CATC deleted on the plus strand (GATG on the coding strand, the reverse complement: MOCS2 is on the minus strand); deleting any 4 consecutive bases within chr5:53,102,211-53,102,217 gives the same sequence; the c. name uses the placement nearest the transcript's 3' end. VCF-style (leftmost placement, unchanged base first): chr5-53102210-TCATC-T. GRCh37 (hg19) VCF-style: chr5-52398040-TCATC-T.
Other names: c.*29_*32del (NM_176806.4); short protein forms D37fs.
Identifiers: ClinVar variation 1406875 (VCV001406875.6), dbSNP rs1235653211, ClinGen allele CA444164912.

ClinVar aggregate classification (germline): Pathogenic (1 of 4 stars; one submission).

Submission:

Labcorp Genetics (formerly Invitae), Labcorp
Classification: Pathogenic. Last evaluated: 2024-09-17. Review status: criteria provided, single submitter. Criteria: Invitae Variant Classification Sherloc (09022015). Collection method: clinical testing. Allele origin: germline.
Comment: This sequence change creates a premature translational stop signal (p.Asp37Lysfs*10) in the MOCS2B gene. It is expected to result in an absent or disrupted protein product. Loss-of-function variants in MOCS2B are known to be pathogenic (PMID: 21031595). This variant is present in population databases (no rsID available, gnomAD 0.002%). This variant has not been reported in the literature in individuals affected with MOCS2B-related conditions. ClinVar contains an entry for this variant (Variation ID: 1406875). For these reasons, this variant has been classified as Pathogenic.

Literature cited by the submitters: PubMed 21031595.